The following is an entry in ClinVar:

NM_001128425.2(MUTYH):c.169A>G (p.Met57Val)

Gene: MUTYH (mutY DNA glycosylase; minus strand). Cytogenetic location: 1p34.1.
Variant type: single nucleotide variant.
Coding change: c.169A>G on transcript NM_001128425.2 (MANE Plus Clinical); coding-DNA position 169, A replaced by G.
Protein change: p.Met57Val; replaces methionine 57 with valine.
Molecular consequence: missense variant. On other transcripts: intron variant (10).
Genome position (GRCh38, 1-based): chr1:45,333,592, T>C on the plus strand (A>G on the coding strand, the complement: MUTYH is on the minus strand). VCF-style: chr1-45333592-T-C. GRCh37 (hg19) VCF-style: chr1-45799264-T-C.
Other names: c.118A>G, p.Met40Val (NM_001293191.2); c.160A>G, p.Met54Val (NM_012222.3); c.-92-95A>G (NM_001350651.2); c.-97-95A>G (NM_001293192.2, NM_001293196.2); c.-156-31A>G (NM_001350650.2); c.116-31A>G (NM_001048171.2, NM_001048173.2, NM_001048174.2 and 1 more transcripts); c.158-28A>G (NM_001293190.2); c.116-28A>G (NM_001048172.2); short protein forms M40V, M54V, M57V.
Identifiers: ClinVar variation 923752 (VCV000923752.4), dbSNP rs1645396759, ClinGen allele CA340136830.
Genomic context (GRCh38, chr1:45,333,592, plus strand): 5'-ATACCACCTCTTCCGGCTGCCTGGCCAGGCCTGCTGGGGCCCCAGGACACTCAGCAATCA[T>C]CCCTGCACAGGCTGTGCATCAGGGTCTTGGGACACAGCAGCCTGTGGCAGTATGCTCCCA-3'
Protein context (NP_001121897.1, residues 47-67): KPSACDACAG[Met57Val]IAECPGAPAG

ClinVar aggregate classification (germline): Uncertain significance (1 of 4 stars; one submission).

Conditions:
Hereditary cancer-predisposing syndrome. Also called: Neoplastic Syndromes, Hereditary; Tumor predisposition; Hereditary Cancer Syndrome; Hereditary neoplastic syndrome. Identifiers: Orphanet 140162, MedGen C0027672, MeSH D009386, MONDO:0015356.

Submission:

Color Diagnostics, LLC DBA Color Health
Classification: Uncertain significance for Hereditary cancer-predisposing syndrome. Last evaluated: 2024-03-07. Review status: criteria provided, single submitter. Criteria: ACMG Guidelines, 2015. Collection method: clinical testing. Allele origin: germline.
Comment: This missense variant replaces methionine with valine at codon 57 of the MUTYH protein. Computational prediction tool suggests that this variant may not impact protein structure and function (internally defined REVEL score threshold <=0.5, PMID: 27666373). Splice site prediction tools suggest that this variant may not impact RNA splicing. To our knowledge, functional studies have not been performed for this variant. This variant has not been reported in individuals affected with hereditary cancer in the literature. This variant has not been identified in the general population by the Genome Aggregation Database (gnomAD). The available evidence is insufficient to determine the role of this variant in disease conclusively. Therefore, this variant is classified as a Variant of Uncertain Significance.